The following is an entry in ClinVar:

ClinVar aggregate classification (germline): Pathogenic. Review status: no assertion criteria provided (0 of 4 stars). 4 submissions from 2 submitters: Pathogenic (4). Last evaluated 2008-12-18.

Conditions:
Inherited prion disease. Identifiers: Orphanet 280400, MedGen C5679775, MONDO:0017234.
Inherited Creutzfeldt-Jakob disease. Also called: Genetic Creutzfeldt-Jakob Disease (Genetic CJD); Creutzfeldt-Jakob Disease, Familial. Identifiers: Orphanet 204, Orphanet 282166, Orphanet 454700, MedGen C0751254, MONDO:0007403, OMIM 123400.
Gerstmann-Straussler-Scheinker syndrome (GSD). Also called: CEREBELLAR ATAXIA, PROGRESSIVE DEMENTIA, AND AMYLOID DEPOSITS IN CNS; Gerstmann-Sträussler-Scheinker Syndrome (GSS); Spongiform encephalopathy; Cerebellar ataxia, progressive dementia, and amyloid deposits in the central nervous system; Encephalopathy subacute spongiform Gerstmann-Straussler type; Spinocerebellar ataxia and plaque-like deposits. Identifiers: Orphanet 356, MedGen C0017495, MONDO:0007656, OMIM 137440.
Huntington disease-like 1 (HDL1). Also called: HUNTINGTON-LIKE NEURODEGENERATIVE DISORDER 1; HUNTINGTON-LIKE NEURODEGENERATIVE DISORDER, AUTOSOMAL DOMINANT; PRION DISEASE, EARLY-ONSET, WITH PROMINENT PSYCHIATRIC FEATURES. Identifiers: Orphanet 157941, MedGen C1864112, MONDO:0011299, OMIM 603218.

Submissions (4):

GeneReviews
Classification: Pathogenic for Genetic Prion Diseases. Last evaluated: 2008-12-18. Review status: no assertion criteria provided. Collection method: curation. Allele origin: unknown.
ClinVar note: Converted during submission from pathologic to Pathogenic.

OMIM
Classification: Pathogenic for CREUTZFELDT-JAKOB DISEASE. Last evaluated: 2004-11-23. Review status: no assertion criteria provided. Collection method: literature only. Allele origin: germline.

OMIM
Classification: Pathogenic for GERSTMANN-STRAUSSLER DISEASE. Last evaluated: 2004-11-23. Review status: no assertion criteria provided. Collection method: literature only. Allele origin: germline.

OMIM
Classification: Pathogenic for HUNTINGTON DISEASE-LIKE 1. Last evaluated: 2004-11-23. Review status: no assertion criteria provided. Collection method: literature only. Allele origin: germline.

Literature cited by the submitters: PubMed 2563037 (cited by OMIM); PubMed 2159587 (cited by OMIM); PubMed 1973256 (cited by OMIM); PubMed 1675319 (cited by OMIM); PubMed 1352724 (cited by OMIM); PubMed 2567794 (cited by OMIM); PubMed 1683708 (cited by OMIM); PubMed 1736177 (cited by OMIM); PubMed 8750875 (cited by OMIM); PubMed 8618679 (cited by OMIM); PubMed 1353344 (cited by OMIM); PubMed 11593450 (cited by OMIM); PubMed 12771252 (cited by OMIM); PubMed 14610142 (cited by OMIM); PubMed 15557533 (cited by OMIM); PubMed 10805813 (cited by OMIM); PubMed 9883727 (cited by OMIM).

NM_000311.5(PRNP):c.154_177[6_13]

Gene: PRNP (prion protein (Kanno blood group); plus strand). Cytogenetic location: 20p13.
Variant type: Microsatellite.
Coding change: c.154_177[6_13] on transcript NM_000311.5 (MANE Select).
Other names: PRNP, OCTAPEPTIDE REPEAT EXPANSION; NM_000311.3:| Insertion(s) of octapeptide repeat; c.154_177[(6_13)] (NM_000311.5).
Identifiers: ClinVar variation 13394 (VCV000013394.6), dbSNP rs193922906.